The following is an entry in ClinVar:

ClinVar aggregate classification (germline): Uncertain significance. Review status: criteria provided, multiple submitters, no conflicts (2 of 4 stars). 3 submissions from 3 submitters: Uncertain significance (3). Last evaluated 2024-03-07.

Conditions:
Hereditary cancer-predisposing syndrome. Also called: Neoplastic Syndromes, Hereditary; Hereditary Cancer Syndrome; Hereditary neoplastic syndrome; Tumor predisposition. Identifiers: Orphanet 140162, MedGen C0027672, MeSH D009386, MONDO:0015356.
Familial adenomatous polyposis 1 (FAP1). Also called: POLYPOSIS, ADENOMATOUS INTESTINAL; FAMILIAL ADENOMATOUS POLYPOSIS 1, ATTENUATED. Identifiers: MedGen C2713442, MONDO:0021056, OMIM 175100. Disease mechanism: loss of function.

Submissions (3):

Color Diagnostics, LLC DBA Color Health
Classification: Uncertain significance for Hereditary cancer-predisposing syndrome. Last evaluated: 2024-03-07. Review status: criteria provided, single submitter. Criteria: ACMG Guidelines, 2015. Collection method: clinical testing. Allele origin: germline.
Comment: This missense variant replaces threonine with serine at codon 310 of the APC protein. Computational prediction suggests that this variant may not impact protein structure and function (internally defined REVEL score threshold <= 0.5, PMID: 27666373). To our knowledge, functional studies have not been reported for this variant. This variant has not been reported in individuals affected with APC-related disorders in the literature. This variant has not been identified in the general population by the Genome Aggregation Database (gnomAD). The available evidence is insufficient to determine the role of this variant in disease conclusively. Therefore, this variant is classified as a Variant of Uncertain Significance.

Ambry Genetics
Classification: Uncertain significance for Hereditary cancer-predisposing syndrome. Last evaluated: 2023-12-19. Review status: criteria provided, single submitter. Criteria: Ambry Variant Classification Scheme 2023. Collection method: clinical testing. Allele origin: germline.
Comment: The p.T310S variant (also known as c.929C>G), located in coding exon 8 of the APC gene, results from a C to G substitution at nucleotide position 929. The threonine at codon 310 is replaced by serine, an amino acid with similar properties. This amino acid position is highly conserved in available vertebrate species. In addition, in silico predictors for this gene do not accurately predict pathogenicity. Since supporting evidence is limited at this time, the clinical significance of this alteration remains unclear.

Labcorp Genetics (formerly Invitae), Labcorp
Classification: Uncertain significance for Familial adenomatous polyposis 1. Last evaluated: 2022-03-03. Review status: criteria provided, single submitter. Criteria: Invitae Variant Classification Sherloc (09022015). Collection method: clinical testing. Allele origin: germline.
Comment: In summary, the available evidence is currently insufficient to determine the role of this variant in disease. Therefore, it has been classified as a Variant of Uncertain Significance. This variant is not present in population databases (gnomAD no frequency). This variant has not been reported in the literature in individuals affected with APC-related conditions. Algorithms developed to predict the effect of missense changes on protein structure and function are either unavailable or do not agree on the potential impact of this missense change (SIFT: "Deleterious"; PolyPhen-2: "Benign"; Align-GVGD: "Class C55"). This sequence change replaces threonine, which is neutral and polar, with serine, which is neutral and polar, at codon 310 of the APC protein (p.Thr310Ser).

NM_000038.6(APC):c.929C>G (p.Thr310Ser)

Gene: APC (APC regulator of Wnt signaling pathway; plus strand). Cytogenetic location: 5q22.2.
Variant type: single nucleotide variant.
Coding change: c.929C>G on transcript NM_000038.6 (MANE Select); coding-DNA position 929, C replaced by G.
Protein change: p.Thr310Ser; replaces threonine 310 with serine.
Molecular consequence: missense variant.
Genome position (GRCh38, 1-based): chr5:112,815,589, C>G. VCF-style: chr5-112815589-C-G. GRCh37 (hg19) VCF-style: chr5-112151286-C-G.
Other names: c.929C>G, p.Thr310Ser (NM_001127510.3, NM_001354895.2, NM_001354896.2 and 12 more transcripts); c.875C>G, p.Thr292Ser (NM_001127511.3); c.959C>G, p.Thr320Ser (NM_001354897.2, NM_001354902.2, NM_001407446.1); c.854C>G, p.Thr285Ser (NM_001354898.2, NM_001354904.2, NM_001407451.1); c.845C>G, p.Thr282Ser (NM_001354899.2, NM_001407452.1, NM_001407467.1 and 1 more transcripts); c.752C>G, p.Thr251Ser (NM_001354900.2, NM_001354901.2, NM_001354905.2 and 1 more transcripts); c.80C>G, p.Thr27Ser (NM_001354906.2, NM_001407470.1, NM_001407471.1 and 1 more transcripts); c.929C>G (NM_000038.5); short protein forms T285S, T292S, T320S, T251S, T27S, T282S, T310S.
Identifiers: ClinVar variation 2105910 (VCV002105910.7), dbSNP rs1762431084, ClinGen allele CA16023341.
Genomic context (GRCh38, chr5:112,815,589, plus strand): 5'-GTGTTTTGAGTTCTAGTAGCACACACTCTGCACCTCGAAGGCTGACAAGTCATCTGGGAA[C>G]CAAGGTAACAGAAGATTACAAACCCTGGTCACTAATGCCATGACTACTTTGCTAAGACAT-3'
Protein context (NP_000029.2, residues 300-320): APRRLTSHLG[Thr310Ser]KVEMVYSLLS